The following is an entry in ClinVar:

NM_004519.4(KCNQ3):c.1656C>A (p.Ala552=)

Gene: KCNQ3 (potassium voltage-gated channel subfamily Q member 3; minus strand). Cytogenetic location: 8q24.22.
Variant type: single nucleotide variant.
Coding change: c.1656C>A on transcript NM_004519.4 (MANE Select); coding-DNA position 1656, C replaced by A.
Protein change: p.Ala552=; no amino-acid change (alanine 552 retained).
Molecular consequence: synonymous variant.
Genome position (GRCh38, 1-based): chr8:132,137,929, G>T on the plus strand (C>A on the coding strand, the complement: KCNQ3 is on the minus strand). VCF-style: chr8-132137929-G-T. GRCh37 (hg19) VCF-style: chr8-133150176-G-T.
Other names: c.1296C>A, p.Ala432= (NM_001204824.2).
Identifiers: ClinVar variation 911824 (VCV000911824.8), dbSNP rs199722269, ClinGen allele CA4880639.
Genomic context (GRCh38, chr8:132,137,929, plus strand): 5'-GATGTGACTGTCTCACCTCGTCTGAAGGTACTTTATCCTGGAAAGCATGTCGAGATGCCC[G>T]GCAGAATACTGCTCAATCACATCCTTCACATCGTAAGGCCTCAAAGTCTCCTTGAATTTT-3'
Protein context (NP_004510.1, residues 542-562): DVKDVIEQYS[Ala552=]GHLDMLSRIK

ClinVar aggregate classification (germline): Likely benign. Review status: criteria provided, multiple submitters, no conflicts (2 of 4 stars). 2 submissions from 2 submitters: Likely benign (2). Last evaluated 2025-03-23.

Conditions:
Benign neonatal seizures. Also called: Benign neonatal familial convulsions; Benign familial neonatal seizures; Convulsions benign familial neonatal dominant form; Autosomal dominant form of benign neonatal seizures; Benign familial neonatal epilepsy. Identifiers: Orphanet 1949, MedGen C0220669, MONDO:0016027.
Seizures, benign familial neonatal, 2. Also called: Benign Neonatal Epilepsy 2; CONVULSIONS, BENIGN FAMILIAL NEONATAL, 2; KCNQ3-Related Benign Familial Neonatal Epilepsy; KCNQ3-Related Self-Limited Familial Neonatal Epilepsy (SLFNE); Seizures, benign neonatal, 2. Identifiers: Orphanet 1949, MedGen C1852581, MONDO:0007366, OMIM 121201.

Allele frequency attached by ClinVar (database versions not stated): TOPMed 0.00002.
gnomAD v4.1: 51 of 1,613,836 alleles (0.0032%); highest among the groups gnomAD compares: Non-Finnish European, 0.0042%; no homozygotes.

Submissions (2):

Labcorp Genetics (formerly Invitae), Labcorp
Classification: Likely benign for Benign neonatal seizures. Last evaluated: 2025-03-23. Review status: criteria provided, single submitter. Criteria: Invitae Variant Classification Sherloc (09022015). Collection method: clinical testing. Allele origin: germline.

Illumina Laboratory Services, Illumina
Classification: Likely benign for Seizures, benign familial neonatal, 2. Last evaluated: 2018-01-13. Review status: criteria provided, single submitter. Criteria: ICSL Variant Classification Criteria 13 December 2019. Collection method: clinical testing. Allele origin: germline.
Comment: This variant was observed in the ICSL laboratory as part of a predisposition screen in an ostensibly healthy population. It had not been previously curated by ICSL or reported in the Human Gene Mutation Database (HGMD: prior to June 1st, 2018), and was therefore a candidate for classification through an automated scoring system. Utilizing variant allele frequency, disease prevalence and penetrance estimates, and inheritance mode, an automated score was calculated to assess if this variant is too frequent to cause the disease. Based on the score and internal cut-off values, a variant classified as likely benign is not then subjected to further curation. The score for this variant resulted in a classification of likely benign for this disease.